The following is an entry in ClinVar:

ClinVar aggregate classification (germline): Uncertain significance (1 of 4 stars; one submission).

Conditions:
Familial melanoma. Also called: Hereditary melanoma; Hereditary cutaneous melanoma. Identifiers: Orphanet 618, MedGen C1512419, MONDO:0018961.

Allele frequency attached by ClinVar (database versions not stated): gnomAD exomes 0.00001.
gnomAD v4.1: 4 of 1,614,084 alleles (0.00025%); no homozygotes.

Submission:

Labcorp Genetics (formerly Invitae), Labcorp
Classification: Uncertain significance for Familial melanoma. Last evaluated: 2025-12-13. Review status: criteria provided, single submitter. Criteria: Invitae Variant Classification Sherloc (09022015). Collection method: clinical testing. Allele origin: germline.
Comment: This sequence change replaces phenylalanine, which is neutral and non-polar, with serine, which is neutral and polar, at codon 66 of the CDK4 protein (p.Phe66Ser). This variant is present in population databases (no rsID available, gnomAD 0.01%). This variant has not been reported in the literature in individuals affected with CDK4-related conditions. ClinVar contains an entry for this variant (Variation ID: 3014342). An algorithm developed to predict the effect of missense changes on protein structure and function (PolyPhen-2) suggests that this variant is likely to be tolerated. In summary, the available evidence is currently insufficient to determine the role of this variant in disease. Therefore, it has been classified as a Variant of Uncertain Significance.

NM_000075.4(CDK4):c.197T>C (p.Phe66Ser)

Genes: CDK4 (cyclin dependent kinase 4; minus strand), LOC130008148 (ATAC-STARR-seq lymphoblastoid silent region 4588; plus strand). Cytogenetic location: 12q14.1.
Variant type: single nucleotide variant.
Coding change: c.197T>C on transcript NM_000075.4 (MANE Select); coding-DNA position 197, T replaced by C.
Protein change: p.Phe66Ser; replaces phenylalanine 66 with serine.
Molecular consequence: missense variant.
Genome position (GRCh38, 1-based): chr12:57,751,521, A>G on the plus strand (T>C on the coding strand, the complement: CDK4 is on the minus strand). VCF-style: chr12-57751521-A-G. GRCh37 (hg19) VCF-style: chr12-58145304-A-G.
Other names: short protein forms F66S.
Identifiers: ClinVar variation 3014342 (VCV003014342.3), dbSNP rs1368528782, ClinGen allele CA385548503.